The following is an entry in ClinVar:

NM_000834.5(GRIN2B):c.4292T>C (p.Val1431Ala)

Gene: GRIN2B (glutamate ionotropic receptor NMDA type subunit 2B; minus strand). Cytogenetic location: 12p13.1.
Variant type: single nucleotide variant.
Coding change: c.4292T>C on transcript NM_000834.5 (MANE Select); coding-DNA position 4292, T replaced by C.
Protein change: p.Val1431Ala; replaces valine 1431 with alanine.
Molecular consequence: missense variant.
Genome position (GRCh38, 1-based): chr12:13,562,946, A>G on the plus strand (T>C on the coding strand, the complement: GRIN2B is on the minus strand). VCF-style: chr12-13562946-A-G. GRCh37 (hg19) VCF-style: chr12-13715880-A-G.
Other names: short protein forms V1431A.
Identifiers: ClinVar variation 452641 (VCV000452641.2), dbSNP rs1555101581, ClinGen allele CA383985575.
Genomic context (GRCh38, chr12:13,562,946, plus strand): 5'-TGGTTCCCTATACAGATGTCCTTCTGGAAACGGGCTGGCACGGCCCCATGAAGGGCCGAG[A>G]CCACCGGCTTGTTGGTGACAAGGGCCCGGAAGTCCGGCCTGGCTTTCGACGCCCCCGCCA-3'
Protein context (NP_000825.2, residues 1421-1441): FRALVTNKPV[Val1431Ala]SALHGAVPAR

ClinVar aggregate classification (germline): Uncertain significance (1 of 4 stars; one submission).

Submission:

GeneDx
Classification: Uncertain significance. Last evaluated: 2017-10-09. Review status: criteria provided, single submitter. Criteria: GeneDx Variant Classification (06012015). Collection method: clinical testing. Allele origin: germline. Affected: yes.
Comment: The V1431A variant in the GRIN2B gene has not been reported previously as a pathogenic variant, nor as a benign variant, to our knowledge. The V1431A variant is not observed in large population cohorts (Lek et al., 2016). The V1431A variant is a conservative amino acid substitution, which is not likely to impact secondary protein structure as these residues share similar properties. This substitution occurs at a position where amino acids with similar properties to Valine are tolerated across species. In silico analysis is inconsistent in its predictions as to whether or not the variant is damaging to the protein structure/function. We interpret V1431A as a variant of uncertain significance.